The following is an entry in ClinVar:

ClinVar aggregate classification (germline): Pathogenic (1 of 4 stars; one submission).

Submission:

Labcorp Genetics (formerly Invitae), Labcorp
Classification: Pathogenic. Last evaluated: 2021-12-12. Review status: criteria provided, single submitter. Criteria: Invitae Variant Classification Sherloc (09022015). Collection method: clinical testing. Allele origin: germline.
Comment: For these reasons, this variant has been classified as Pathogenic. This variant has not been reported in the literature in individuals affected with USH2A-related conditions. This variant is not present in population databases (gnomAD no frequency). This sequence change creates a premature translational stop signal (p.Ser4723Valfs*23) in the USH2A gene. It is expected to result in an absent or disrupted protein product. Loss-of-function variants in USH2A are known to be pathogenic (PMID: 10729113, 10909849, 20507924, 25649381).

Literature cited by the submitters: PubMed 10729113; PubMed 10909849; PubMed 20507924; PubMed 25649381.

NM_206933.4(USH2A):c.14166del (p.Ser4723fs)

Gene: USH2A (usherin; minus strand). Cytogenetic location: 1q41.
Variant type: Deletion.
Coding change: c.14166del on transcript NM_206933.4 (MANE Select); coding-DNA position 14166, one base deleted (C; older notation c.14166delC).
Protein change: p.Ser4723fs; shifts the reading frame from serine 4723.
Molecular consequence: frameshift variant.
Genome position (GRCh38, 1-based): chr1:215,650,769, G deleted on the plus strand (C on the coding strand, the reverse complement: USH2A is on the minus strand); the first of 5 consecutive G bases (chr1:215,650,769-215,650,773); deleting any one gives the same sequence. VCF-style (leftmost placement, unchanged base first): chr1-215650768-TG-T. GRCh37 (hg19) VCF-style: chr1-215824110-TG-T.
Other names: short protein forms S4723fs.
Identifiers: ClinVar variation 2040398 (VCV002040398.4), dbSNP rs2464821247, ClinGen allele CA2580062198.